The following is an entry in ClinVar:

NM_001243177.4(ALDOA):c.310G>A (p.Glu104Lys)

Genes: ALDOA (aldolase, fructose-bisphosphate A; plus strand), LOC112694756 (uncharaterized LOC112694756; plus strand). Cytogenetic location: 16p11.2.
Variant type: single nucleotide variant.
Coding change: c.310G>A on transcript NM_001243177.4 (MANE Select); coding-DNA position 310, G replaced by A.
Protein change: p.Glu104Lys; replaces glutamic acid 104 with lysine.
Molecular consequence: missense variant. On other transcripts: 3 prime UTR variant (3).
Genome position (GRCh38, 1-based): chr16:30,067,485, G>A. VCF-style: chr16-30067485-G-A. GRCh37 (hg19) VCF-style: chr16-30078806-G-A.
Other names: NM_000034.3:c.148G>A; c.*657G>A (NM_001365304.2, NM_001365305.2, NM_001365307.2); c.148G>A, p.Glu50Lys (NM_001127617.2, NM_184041.5, NM_184043.2); short protein forms E104K, E50K.
Identifiers: ClinVar variation 2468614 (VCV002468614.3), dbSNP rs1370360466, ClinGen allele CA395485762.

ClinVar aggregate classification (germline): Uncertain significance. Review status: criteria provided, multiple submitters, no conflicts (2 of 4 stars). 2 submissions from 2 submitters: Uncertain significance (2). Last evaluated 2025-12-17.

Conditions:
HNSHA due to aldolase A deficiency (GSD12). Also called: Glycogen storage disease due to aldolase A deficiency; GLYCOGEN STORAGE DISEASE XII; GSD XII; RED CELL ALDOLASE DEFICIENCY. Identifiers: Orphanet 57, MedGen C0272066, MONDO:0012747, OMIM 611881.
Inborn genetic diseases. Identifiers: MedGen C0950123, MeSH D030342.

Allele frequency attached by ClinVar (database versions not stated): gnomAD 0.00001; TOPMed 0.00001.
gnomAD v4.1: 13 of 1,613,136 alleles (0.00081%); highest among the groups gnomAD compares: South Asian, 0.0011%; no homozygotes.

Submissions (2):

Labcorp Genetics (formerly Invitae), Labcorp
Classification: Uncertain significance for HNSHA due to aldolase A deficiency. Last evaluated: 2025-12-17. Review status: criteria provided, single submitter. Criteria: Invitae Variant Classification Sherloc (09022015). Collection method: clinical testing. Allele origin: germline.
Comment: This sequence change replaces glutamic acid, which is acidic and polar, with lysine, which is basic and polar, at codon 50 of the ALDOA protein (p.Glu50Lys). This variant is not present in population databases (gnomAD no frequency). This variant has not been reported in the literature in individuals affected with ALDOA-related conditions. ClinVar contains an entry for this variant (Variation ID: 2468614). An algorithm developed to predict the effect of missense changes on protein structure and function (PolyPhen-2) suggests that this variant is likely to be tolerated. In summary, the available evidence is currently insufficient to determine the role of this variant in disease. Therefore, it has been classified as a Variant of Uncertain Significance.

Ambry Genetics
Classification: Uncertain significance for Inborn genetic diseases. Last evaluated: 2023-01-11. Review status: criteria provided, single submitter. Criteria: Ambry Variant Classification Scheme 2023. Collection method: clinical testing. Allele origin: germline.